The following is an entry in ClinVar:

NM_000136.3(FANCC):c.250+12A>G

Gene: FANCC (FA complementation group C; minus strand). Cytogenetic location: 9q22.32.
Variant type: single nucleotide variant.
Coding change: c.250+12A>G on transcript NM_000136.3 (MANE Select); 12 bases into the intron after coding-DNA position 250, A replaced by G.
Molecular consequence: intron variant.
Genome position (GRCh38, 1-based): chr9:95,247,420, T>C on the plus strand (A>G on the coding strand, the complement: FANCC is on the minus strand). VCF-style: chr9-95247420-T-C. GRCh37 (hg19) VCF-style: chr9-98009702-T-C.
Other names: c.250+12A>G (NM_001243743.2, NM_001243744.2).
Identifiers: ClinVar variation 385041 (VCV000385041.1), dbSNP rs1057522103, ClinGen allele CA16605901.

ClinVar aggregate classification (germline): Likely benign (1 of 4 stars; one submission).

Submission:

GeneDx
Classification: Likely benign. Last evaluated: 2016-03-22. Review status: criteria provided, single submitter. Criteria: GeneDx Variant Classification (06012015). Collection method: clinical testing. Allele origin: germline. Affected: yes.
Comment: This variant is considered likely benign or benign based on one or more of the following criteria: it is a conservative change, it occurs at a poorly conserved position in the protein, it is predicted to be benign by multiple in silico algorithms, and/or has population frequency not consistent with disease.